The following is an entry in ClinVar:

NM_018668.5(VPS33B):c.873C>T (p.Asn291=)

Gene: VPS33B (VPS33B late endosome and lysosome associated; minus strand). Cytogenetic location: 15q26.1.
Variant type: single nucleotide variant.
Coding change: c.873C>T on transcript NM_018668.5 (MANE Select); coding-DNA position 873, C replaced by T.
Protein change: p.Asn291=; no amino-acid change (asparagine 291 retained).
Molecular consequence: synonymous variant.
Genome position (GRCh38, 1-based): chr15:91,006,039, G>A on the plus strand (C>T on the coding strand, the complement: VPS33B is on the minus strand). VCF-style: chr15-91006039-G-A. GRCh37 (hg19) VCF-style: chr15-91549269-G-A.
Other names: c.792C>T, p.Asn264= (NM_001289148.1); c.600C>T, p.Asn200= (NM_001289149.1).
Identifiers: ClinVar variation 2967313 (VCV002967313.4), dbSNP rs570695901, ClinGen allele CA7744877.

ClinVar aggregate classification (germline): Likely benign. Review status: criteria provided, multiple submitters, no conflicts (2 of 4 stars). 2 submissions from 2 submitters: Likely benign (2). Last evaluated 2025-06-27.

Conditions:
VPS33B-related disorder. Also called: VPS33B-related condition.

Allele frequency attached by ClinVar (database versions not stated): ExAC 0.00010; TOPMed 0.00011; gnomAD 0.00012; 1000 Genomes Project 0.00040; 1000 Genomes Project 30x 0.00062.

Submissions (2):

Labcorp Genetics (formerly Invitae), Labcorp
Classification: Likely benign. Last evaluated: 2025-06-27. Review status: criteria provided, single submitter. Criteria: Invitae Variant Classification Sherloc (09022015). Collection method: clinical testing. Allele origin: germline.

PreventionGenetics, part of Exact Sciences
Classification: Likely benign for VPS33B-related condition. Last evaluated: 2025-01-11. Review status: criteria provided, single submitter. Criteria: ACMG Guidelines, 2015. Collection method: clinical testing. Allele origin: germline.
Comment: This variant is classified as likely benign based on ACMG/AMP sequence variant interpretation guidelines (Richards et al. 2015 PMID: 25741868, with internal and published modifications).